The following is an entry in ClinVar:

NM_001128228.3(TPRN):c.1183G>C (p.Glu395Gln)

Gene: TPRN (taperin; minus strand). Cytogenetic location: 9q34.3.
Variant type: single nucleotide variant.
Coding change: c.1183G>C on transcript NM_001128228.3 (MANE Select); coding-DNA position 1183, G replaced by C.
Protein change: p.Glu395Gln; replaces glutamic acid 395 with glutamine.
Molecular consequence: missense variant.
Genome position (GRCh38, 1-based): chr9:137,199,529, C>G on the plus strand (G>C on the coding strand, the complement: TPRN is on the minus strand). VCF-style: chr9-137199529-C-G. GRCh37 (hg19) VCF-style: chr9-140093981-C-G.
Other names: short protein forms E395Q.
Identifiers: ClinVar variation 1979362 (VCV001979362.3), dbSNP rs770777586, ClinGen allele CA5362802.

ClinVar aggregate classification (germline): Uncertain significance (1 of 4 stars; one submission).

Allele frequency attached by ClinVar (database versions not stated): ExAC 0.00004.
gnomAD v4.1: 45 of 1,568,134 alleles (0.0029%); highest among the groups gnomAD compares: Non-Finnish European, 0.0035%; no homozygotes.

Submission:

Labcorp Genetics (formerly Invitae), Labcorp
Classification: Uncertain significance. Last evaluated: 2022-02-02. Review status: criteria provided, single submitter. Criteria: Invitae Variant Classification Sherloc (09022015). Collection method: clinical testing. Allele origin: germline.
Comment: In summary, the available evidence is currently insufficient to determine the role of this variant in disease. Therefore, it has been classified as a Variant of Uncertain Significance. Algorithms developed to predict the effect of missense changes on protein structure and function output the following: SIFT: "Tolerated"; PolyPhen-2: "Benign"; Align-GVGD: "Class C0". The glutamine amino acid residue is found in multiple mammalian species, which suggests that this missense change does not adversely affect protein function. This variant has not been reported in the literature in individuals affected with TPRN-related conditions. This variant is present in population databases (rs770777586, gnomAD 0.005%). This sequence change replaces glutamic acid, which is acidic and polar, with glutamine, which is neutral and polar, at codon 395 of the TPRN protein (p.Glu395Gln).